The following is an entry in ClinVar:

NM_001844.5(COL2A1):c.964C>T (p.Pro322Ser)

Gene: COL2A1 (collagen type II alpha 1 chain; minus strand). Cytogenetic location: 12q13.11.
Variant type: single nucleotide variant.
Coding change: c.964C>T on transcript NM_001844.5 (MANE Select); coding-DNA position 964, C replaced by T.
Protein change: p.Pro322Ser; replaces proline 322 with serine.
Molecular consequence: missense variant.
Genome position (GRCh38, 1-based): chr12:47,993,463, G>A on the plus strand (C>T on the coding strand, the complement: COL2A1 is on the minus strand). VCF-style: chr12-47993463-G-A. GRCh37 (hg19) VCF-style: chr12-48387246-G-A.
Other names: c.964C>T (NM_001844.4); c.757C>T, p.Pro253Ser (NM_033150.3); short protein forms P253S, P322S.
Identifiers: ClinVar variation 2127760 (VCV002127760.6), dbSNP rs200696675, ClinGen allele CA6535693.
Genomic context (GRCh38, chr12:47,993,463, plus strand): 5'-ATCTGATAGTCTGAAGAGTCTTTGATAAACCTTCCTGGAGGGTGTCCATACTTACCATTG[G>A]GCCCGGAGATCCGTTCTCACCCGGGGAACCACTCTCACCCTGGAAAAATGATGCACAAGG-3'
Protein context (NP_001835.3, residues 312-332): GSPGENGSPG[Pro322Ser]MGPRGLPGER

ClinVar aggregate classification (germline): Conflicting classifications of pathogenicity. Review status: criteria provided, conflicting classifications (1 of 4 stars). 3 submissions from 3 submitters: Uncertain significance (1); Likely benign (2). Last evaluated 2025-05-16.

Allele frequency attached by ClinVar (database versions not stated): gnomAD 0.00001; TOPMed 0.00001; gnomAD exomes 0.00005; ExAC 0.00015.
gnomAD v4.1: 82 of 1,612,708 alleles (0.0051%); highest among the groups gnomAD compares: Non-Finnish European, 0.0042%; no homozygotes.

Submissions (3):

GeneDx
Classification: Uncertain significance. Last evaluated: 2025-05-16. Review status: criteria provided, single submitter. Criteria: GeneDx Variant Classification Process June 2021. Collection method: clinical testing. Allele origin: germline. Affected: yes.
Comment: Has not been previously published as pathogenic or benign to our knowledge; In silico analysis supports that this missense variant has a deleterious effect on protein structure/function; Occurs in the triple helical domain at the X position in the canonical Gly-X-Y repeat; although this variant may have an effect on normal protein folding and function, missense substitution at the X position is not a common mechanism of disease (HGMD)

Labcorp Genetics (formerly Invitae), Labcorp
Classification: Likely benign. Last evaluated: 2024-12-13. Review status: criteria provided, single submitter. Criteria: Invitae Variant Classification Sherloc (09022015). Collection method: clinical testing. Allele origin: germline.

Blueprint Genetics
Classification: Likely benign. Last evaluated: 2024-03-13. Review status: criteria provided, single submitter. Criteria: ACMG Guidelines, 2015. Collection method: clinical testing. Allele origin: germline.